The following is an entry in ClinVar:

NM_080669.6(SLC46A1):c.383C>T (p.Ala128Val)

Gene: SLC46A1 (solute carrier family 46 member 1; minus strand). Cytogenetic location: 17q11.2.
Variant type: single nucleotide variant.
Coding change: c.383C>T on transcript NM_080669.6 (MANE Select); coding-DNA position 383, C replaced by T.
Protein change: p.Ala128Val; replaces alanine 128 with valine.
Molecular consequence: missense variant.
Genome position (GRCh38, 1-based): chr17:28,405,314, G>A on the plus strand (C>T on the coding strand, the complement: SLC46A1 is on the minus strand). VCF-style: chr17-28405314-G-A. GRCh37 (hg19) VCF-style: chr17-26732332-G-A.
Other names: c.383C>T, p.Ala128Val (NM_001242366.3); short protein forms A128V.
Identifiers: ClinVar variation 1366587 (VCV001366587.5), dbSNP rs782039362, ClinGen allele CA8458340.
Genomic context (GRCh38, chr17:28,405,314, plus strand): 5'-CGACCCAGCACGAAGTAGCCGACGTGGAGCTGCAGCTGCACCACAAAAACGGACACTAGG[G>A]CCTGGAGCAGCAGGCCCAGCGAGGCCAGCACTAGCAGCGGGCGGCGGCCCACACTGTCGC-3'
Protein context (NP_542400.2, residues 118-138): VLASLGLLLQ[Ala128Val]LVSVFVVQLQ

ClinVar aggregate classification (germline): Conflicting classifications of pathogenicity. Review status: criteria provided, conflicting classifications (1 of 4 stars). 2 submissions from 2 submitters: Uncertain significance (1); Likely benign (1). Last evaluated 2025-02-18.

Allele frequency attached by ClinVar (database versions not stated): ExAC 0.00002; gnomAD exomes 0.00002.
gnomAD v4.1: 26 of 1,589,320 alleles (0.0016%); highest among the groups gnomAD compares: Non-Finnish European, 0.0022%; no homozygotes.

Submissions (2):

Labcorp Genetics (formerly Invitae), Labcorp
Classification: Uncertain significance. Last evaluated: 2025-02-18. Review status: criteria provided, single submitter. Criteria: Invitae Variant Classification Sherloc (09022015). Collection method: clinical testing. Allele origin: germline.
Comment: This sequence change replaces alanine, which is neutral and non-polar, with valine, which is neutral and non-polar, at codon 128 of the SLC46A1 protein (p.Ala128Val). The frequency data for this variant in the population databases is considered unreliable, as metrics indicate poor data quality at this position in the gnomAD database. This variant has not been reported in the literature in individuals affected with SLC46A1-related conditions. ClinVar contains an entry for this variant (Variation ID: 1366587). Invitae Evidence Modeling of protein sequence and biophysical properties (such as structural, functional, and spatial information, amino acid conservation, physicochemical variation, residue mobility, and thermodynamic stability) indicates that this missense variant is not expected to disrupt SLC46A1 protein function with a negative predictive value of 80%. In summary, the available evidence is currently insufficient to determine the role of this variant in disease. Therefore, it has been classified as a Variant of Uncertain Significance.

Blueprint Genetics
Classification: Likely benign. Last evaluated: 2023-02-16. Review status: criteria provided, single submitter. Criteria: ACMG Guidelines, 2015. Collection method: clinical testing. Allele origin: germline.